The following is an entry in ClinVar:

NM_000054.7(AVPR2):c.689G>A (p.Arg230Gln)

Gene: AVPR2 (arginine vasopressin receptor 2; plus strand). Cytogenetic location: Xq28.
Variant type: single nucleotide variant.
Coding change: c.689G>A on transcript NM_000054.7 (MANE Select); coding-DNA position 689, G replaced by A.
Protein change: p.Arg230Gln; replaces arginine 230 with glutamine.
Molecular consequence: missense variant. On other transcripts: non-coding transcript variant (1).
Genome position (GRCh38, 1-based): chrX:153,906,195, G>A. VCF-style: chrX-153906195-G-A. GRCh37 (hg19) VCF-style: chrX-153171649-G-A.
Other names: c.689G>A (NM_000054.6); c.689G>A, p.Arg230Gln (NM_001146151.3); short protein forms R230Q.
Identifiers: ClinVar variation 3132443 (VCV003132443.5), dbSNP rs782608859, ClinGen allele CA10555046.
Genomic context (GRCh38, chrX:153,906,195, plus strand): 5'-CCCTGATGGTGTTCGTGGCACCTACCCTGGGTATCGCCGCCTGCCAGGTGCTCATCTTCC[G>A]GGAGATTCATGCCAGTCTGGTGCCAGGGCCATCAGAGAGGCCTGGGGGGCGCCGCAGGGG-3'
Protein context (NP_000045.1, residues 220-240): GIAACQVLIF[Arg230Gln]EIHASLVPGP

ClinVar aggregate classification (germline): Conflicting classifications of pathogenicity. Review status: criteria provided, conflicting classifications (1 of 4 stars). 3 submissions from 3 submitters: Uncertain significance (1); Likely benign (2). Last evaluated 2025-10-13.

Conditions:
Inborn genetic diseases. Identifiers: MedGen C0950123, MeSH D030342.
Diabetes insipidus, nephrogenic, X-linked. Also called: Nephrogenic Diabetes Insipidus, Type I. Identifiers: Orphanet 223, MedGen C1563705, MONDO:0010581, OMIM 304800.
Nephrogenic syndrome of inappropriate antidiuresis (NSIAD). Identifiers: Orphanet 93606, MedGen C1845202, MONDO:0010356, OMIM 300539.

Allele frequency attached by ClinVar (database versions not stated): ExAC 0.00005; gnomAD exomes 0.00005.
gnomAD v4.1: 65 of 1,211,127 alleles (0.0054%); highest among the groups gnomAD compares: Admixed American, 0.041%; no homozygotes.

Submissions (5):

Labcorp Genetics (formerly Invitae), Labcorp
Classification: Uncertain significance. Last evaluated: 2025-10-13. Review status: criteria provided, single submitter. Criteria: Invitae Variant Classification Sherloc (09022015). Collection method: clinical testing. Allele origin: germline.
Comment: This sequence change replaces arginine, which is basic and polar, with glutamine, which is neutral and polar, at codon 230 of the AVPR2 protein (p.Arg230Gln). This variant is present in population databases (rs782608859, gnomAD 0.03%). This variant has not been reported in the literature in individuals affected with AVPR2-related conditions. ClinVar contains an entry for this variant (Variation ID: 3132443). Invitae Evidence Modeling of protein sequence and biophysical properties (such as structural, functional, and spatial information, amino acid conservation, physicochemical variation, residue mobility, and thermodynamic stability) has been performed for this missense variant. However, the output from this modeling did not meet the statistical confidence thresholds required to predict the impact of this variant on AVPR2 protein function. In summary, the available evidence is currently insufficient to determine the role of this variant in disease. Therefore, it has been classified as a Variant of Uncertain Significance.

Fulgent Genetics
Classification: Likely benign for Nephrogenic syndrome of inappropriate antidiuresis; Diabetes insipidus, nephrogenic, X-linked. Last evaluated: 2024-06-18. Review status: criteria provided, single submitter. Criteria: ACMG Guidelines, 2015. Collection method: clinical testing. Allele origin: germline.

Ambry Genetics
Classification: Likely benign for Inborn genetic diseases. Last evaluated: 2022-06-13. Review status: criteria provided, single submitter. Criteria: Ambry Variant Classification Scheme 2023. Collection method: clinical testing. Allele origin: germline.

Dr. Peter K. Rogan Lab, Western University
No classification provided (evidence only). Condition: Thyroid cancer, nonmedullary, 1. Review status: no classification provided. Collection method: in vitro. Allele origin: not applicable. Functional consequence: retained intron. Not counted in ClinVar's aggregate classification.

Dr. Peter K. Rogan Lab, Western University
No classification provided (evidence only). Condition: Thyroid cancer, nonmedullary, 1. Review status: no classification provided. Collection method: in vitro. Allele origin: not applicable. Functional consequence: retained intron. Not counted in ClinVar's aggregate classification.